The following is an entry in ClinVar:

NM_001035.3(RYR2):c.14157C>T (p.Phe4719=)

Gene: RYR2 (ryanodine receptor 2; plus strand). Cytogenetic location: 1q43.
Variant type: single nucleotide variant.
Coding change: c.14157C>T on transcript NM_001035.3 (MANE Select); coding-DNA position 14157, C replaced by T.
Protein change: p.Phe4719=; no amino-acid change (phenylalanine 4719 retained).
Molecular consequence: synonymous variant.
Genome position (GRCh38, 1-based): chr1:237,806,142, C>T. VCF-style: chr1-237806142-C-T. GRCh37 (hg19) VCF-style: chr1-237969442-C-T.
Identifiers: ClinVar variation 3315884 (VCV003315884.1).

ClinVar aggregate classification (germline): Uncertain significance (1 of 4 stars; one submission).

Conditions:
Cardiovascular phenotype. Identifiers: MedGen CN230736.

gnomAD v4.1: 1 of 1,613,566 alleles (0.000062%); highest among the groups gnomAD compares: African/African-American, 0.0013%; no homozygotes.

Submission:

Ambry Genetics
Classification: Uncertain significance for Cardiovascular phenotype. Last evaluated: 2024-04-06. Review status: criteria provided, single submitter. Criteria: Ambry Variant Classification Scheme 2023. Collection method: clinical testing. Allele origin: germline.
Comment: The c.14157C>T variant (also known as p.F4719F), located in coding exon 99 of the RYR2 gene, results from a C to T substitution at nucleotide position 14157. This nucleotide substitution does not change the phenylalanine at codon 4719. This nucleotide position is well conserved in available vertebrate species. In silico splice site analysis predicts that this alteration may result in the creation or strengthening of a novel splice acceptor site. Based on the available evidence, the clinical significance of this variant remains unclear.